The following is an entry in ClinVar:

NM_032444.4(SLX4):c.3055T>G (p.Ser1019Ala)

Gene: SLX4 (SLX4 structure-specific endonuclease subunit; minus strand). Cytogenetic location: 16p13.3.
Variant type: single nucleotide variant.
Coding change: c.3055T>G on transcript NM_032444.4 (MANE Select); coding-DNA position 3055, T replaced by G.
Protein change: p.Ser1019Ala; replaces serine 1019 with alanine.
Molecular consequence: missense variant.
Genome position (GRCh38, 1-based): chr16:3,590,583, A>C on the plus strand (T>G on the coding strand, the complement: SLX4 is on the minus strand). VCF-style: chr16-3590583-A-C. GRCh37 (hg19) VCF-style: chr16-3640584-A-C.
Other names: short protein forms S1019A.
Identifiers: ClinVar variation 3723450 (VCV003723450.2).

ClinVar aggregate classification (germline): Uncertain significance (1 of 4 stars; one submission).

Conditions:
Fanconi anemia (FA). Also called: Fanconi's anemia. Identifiers: Orphanet 84, MedGen C0015625, MeSH D005199, MONDO:0019391.

Submission:

Labcorp Genetics (formerly Invitae), Labcorp
Classification: Uncertain significance for Fanconi anemia. Last evaluated: 2024-10-21. Review status: criteria provided, single submitter. Criteria: Invitae Variant Classification Sherloc (09022015). Collection method: clinical testing. Allele origin: germline.
Comment: This sequence change replaces serine, which is neutral and polar, with alanine, which is neutral and non-polar, at codon 1019 of the SLX4 protein (p.Ser1019Ala). This variant is not present in population databases (gnomAD no frequency). This variant has not been reported in the literature in individuals affected with SLX4-related conditions. An algorithm developed to predict the effect of missense changes on protein structure and function outputs the following: PolyPhen-2: "Benign". The alanine amino acid residue is found in multiple mammalian species, which suggests that this missense change does not adversely affect protein function. In summary, the available evidence is currently insufficient to determine the role of this variant in disease. Therefore, it has been classified as a Variant of Uncertain Significance.